The following is an entry in ClinVar:

NM_002968.3(SALL1):c.611A>G (p.Lys204Arg)

Gene: SALL1 (spalt like transcription factor 1; minus strand). Cytogenetic location: 16q12.1.
Variant type: single nucleotide variant.
Coding change: c.611A>G on transcript NM_002968.3 (MANE Select); coding-DNA position 611, A replaced by G.
Protein change: p.Lys204Arg; replaces lysine 204 with arginine.
Molecular consequence: missense variant.
Genome position (GRCh38, 1-based): chr16:51,141,611, T>C on the plus strand (A>G on the coding strand, the complement: SALL1 is on the minus strand). VCF-style: chr16-51141611-T-C. GRCh37 (hg19) VCF-style: chr16-51175522-T-C.
Other names: c.320A>G, p.Lys107Arg (NM_001127892.2); short protein forms K107R, K204R.
Identifiers: ClinVar variation 4883292 (VCV004883292.2).

ClinVar aggregate classification (germline): Uncertain significance (1 of 4 stars; one submission).

Submission:

Dasa
Classification: Uncertain significance. Last evaluated: 2025-11-19. Review status: criteria provided, single submitter. Criteria: DASA Assertion Criteria. Collection method: clinical testing. Allele origin: germline.
Comment: NM_002968.3(SALL1):c.611A>G (p.Lys204Arg) is a missense variant that results in the substitution of lysine with arginine. This variant is absent from population databases. Computational prediction algorithms are consistent with a benign effect. The currently available literature and clinical evidence are not sufficient to establish a definitive association between this variant and the reported condition. Therefore, this variant is classified as a variant of uncertain significance.